The following is an entry in ClinVar:

ClinVar aggregate classification (germline): Uncertain significance (1 of 4 stars; one submission).

Conditions:
Inborn genetic diseases. Identifiers: MedGen C0950123, MeSH D030342.

Submission:

Ambry Genetics
Classification: Uncertain significance for Inborn genetic diseases. Last evaluated: 2026-04-03. Review status: criteria provided, single submitter. Criteria: Ambry Variant Classification Scheme 2023. Collection method: clinical testing. Allele origin: germline.
Comment: The p.D339H variant (also known as c.1015G>C), located in coding exon 5 of the FANCM gene, results from a G to C substitution at nucleotide position 1015. The aspartic acid at codon 339 is replaced by histidine, an amino acid with similar properties. This amino acid position is conserved. In addition, the in silico prediction for this alteration is inconclusive. Based on the available evidence, the clinical significance of this variant remains unclear.

NM_020937.4(FANCM):c.1015G>C (p.Asp339His)

Gene: FANCM (FA complementation group M; plus strand). Cytogenetic location: 14q21.2.
Variant type: single nucleotide variant.
Coding change: c.1015G>C on transcript NM_020937.4 (MANE Select); coding-DNA position 1015, G replaced by C.
Protein change: p.Asp339His; replaces aspartic acid 339 with histidine.
Molecular consequence: missense variant.
Genome position (GRCh38, 1-based): chr14:45,151,493, G>C. VCF-style: chr14-45151493-G-C. GRCh37 (hg19) VCF-style: chr14-45620696-G-C.
Other names: c.937G>C, p.Asp313His (NM_001308133.2); c.1015G>C, p.Asp339His (NM_001308134.2); short protein forms D313H, D339H.
Identifiers: ClinVar variation 4871061 (VCV004871061.1).